The following is an entry in ClinVar:

ClinVar aggregate classification (germline): Uncertain significance (1 of 4 stars; one submission).

Conditions:
Inborn genetic diseases. Identifiers: MedGen C0950123, MeSH D030342.

Submission:

Ambry Genetics
Classification: Uncertain significance for Inborn genetic diseases. Last evaluated: 2023-06-26. Review status: criteria provided, single submitter. Criteria: Ambry Variant Classification Scheme 2023. Collection method: clinical testing. Allele origin: germline.
Comment: The p.S106P variant (also known as c.316T>C), located in coding exon 1 of the ACD gene, results from a T to C substitution at nucleotide position 316. The serine at codon 106 is replaced by proline, an amino acid with similar properties. This amino acid position is conserved. In addition, this alteration is predicted to be tolerated by in silico analysis. Since supporting evidence is limited at this time, the clinical significance of this alteration remains unclear.

NM_001082486.2(ACD):c.58T>C (p.Ser20Pro)

Gene: ACD (ACD shelterin complex subunit and telomerase recruitment factor; minus strand). Cytogenetic location: 16q22.1.
Variant type: single nucleotide variant.
Coding change: c.58T>C on transcript NM_001082486.2 (MANE Select); coding-DNA position 58, T replaced by C.
Protein change: p.Ser20Pro; replaces serine 20 with proline.
Molecular consequence: missense variant.
Genome position (GRCh38, 1-based): chr16:67,660,163, A>G on the plus strand (T>C on the coding strand, the complement: ACD is on the minus strand). VCF-style: chr16-67660163-A-G. GRCh37 (hg19) VCF-style: chr16-67694066-A-G.
Other names: c.58T>C, p.Ser20Pro (NM_001410884.1, NM_022914.3); short protein forms S20P.
Identifiers: ClinVar variation 2602997 (VCV002602997.2), dbSNP rs2543611458, ClinGen allele CA396358284.
Genomic context (GRCh38, chr16:67,660,163, plus strand): 5'-GCCCTGAATGGGGGCTCACCTCAAGCAGCTGCCCGGCTCGTGGACTGGAGGGTGTCTCTG[A>G]CCCCAGAATCAGCTCCCGAATCCAGGGCCGTAGGACCAGCCTCCCCGAACCTGCCATCCC-3'
Protein context (NP_001075955.2, residues 10-30): RPWIRELILG[Ser20Pro]ETPSSPRAGQ